The following is an entry in ClinVar:

ClinVar aggregate classification (germline): Likely pathogenic (1 of 4 stars; one submission).

Conditions:
Severe X-linked myotubular myopathy (CNMX). Also called: MYOTUBULAR MYOPATHY 1; Myotubular myopathy, X-linked; X-linked centronuclear myopathy. Identifiers: Orphanet 596, MedGen C0410203, MONDO:0010683, OMIM 310400.

Submission:

Myriad Genetics, Inc.
Classification: Likely pathogenic for Severe X-linked myotubular myopathy. Last evaluated: 2022-01-23. Review status: criteria provided, single submitter. Criteria: Myriad Women's Health Autosomal Recessive and X-Linked Classification Criteria (2021). Collection method: clinical testing. Allele origin: unknown.
Comment: NM_000252.2(MTM1):c.1153_1156delCTGAinsTGT(L385Cfs*7) is expected to be pathogenic in the context of X-linked myotubular myopathy. This variant is predicted to lead to an abnormal or absent protein product due to the creation of a premature termination codon in MTM1, a gene where loss-of-function variants are known to be pathogenic. Please note: this variant was assessed in the context of healthy population screening.

NM_000252.3(MTM1):c.1153_1156delinsTGT (p.Leu385fs)

Gene: MTM1 (myotubularin 1; plus strand). Cytogenetic location: Xq28.
Variant type: Indel.
Coding change: c.1153_1156delinsTGT on transcript NM_000252.3 (MANE Select); coding-DNA positions 1153 to 1156, CTGA replaced by TGT.
Protein change: p.Leu385fs; shifts the reading frame from leucine 385.
Molecular consequence: frameshift variant.
Genome position (GRCh38, 1-based): chrX:150,657,920-150,657,923, CTGA replaced by TGT. VCF-style: chrX-150657920-CTGA-TGT. GRCh37 (hg19) VCF-style: chrX-149826393-CTGA-TGT.
Other names: c.1153_1156delinsTGT, p.Leu385fs (NM_001376906.1, NM_001376908.1); c.1042_1045delinsTGT, p.Leu348fs (NM_001376907.1); short protein forms L348fs, L385fs.
Identifiers: ClinVar variation 1723997 (VCV001723997.2), dbSNP rs2522435283, ClinGen allele CA2580101645.
Genomic context (GRCh38, chrX:150,657,920, plus strand): 5'-TCTTCAGGGAAGAGTTCAGTGCTTGTGCATTGCAGTGACGGATGGGACAGGACTGCTCAG[CTGA>TGT]CATCCTTGGCCATGCTGATGTTGGATAGCTTCTATAGGAGCATTGAAGGGTTCGAAATAC-3'